The following is an entry in ClinVar:

NM_001845.6(COL4A1):c.1675G>A (p.Gly559Ser)

Gene: COL4A1 (collagen type IV alpha 1 chain; minus strand). Cytogenetic location: 13q34.
Variant type: single nucleotide variant.
Coding change: c.1675G>A on transcript NM_001845.6 (MANE Select); coding-DNA position 1675, G replaced by A.
Protein change: p.Gly559Ser; replaces glycine 559 with serine.
Molecular consequence: missense variant.
Genome position (GRCh38, 1-based): chr13:110,187,191, C>T on the plus strand (G>A on the coding strand, the complement: COL4A1 is on the minus strand). VCF-style: chr13-110187191-C-T. GRCh37 (hg19) VCF-style: chr13-110839538-C-T.
Other names: short protein forms G559S.
Identifiers: ClinVar variation 4531446 (VCV004531446.1).
Genomic context (GRCh38, chr13:110,187,191, plus strand): 5'-AACATACCGGCGAGCCCTTGGGGCCAGGAAGACCCGGATGGCCATCTCTTCCAGGAGAAC[C>T]CGCTCTCCCTGGCATGCCGGGCTGTCCTGGAAAGCCTGGGTCTCCTTTGTCACCTTTGAG-3'
Protein context (NP_001836.3, residues 549-569): PGQPGMPGRA[Gly559Ser]SPGRDGHPGL

ClinVar aggregate classification (germline): Pathogenic (1 of 4 stars; one submission).

Conditions:
COL4A1-related disorder. Also called: COL4A1-related disorders; COL4A1-related condition. Identifiers: MedGen CN376119, MONDO:0800461.

Submission:

Victorian Clinical Genetics Services, Murdoch Childrens Research Institute
Classification: Pathogenic for COL4A1-related disorder. Last evaluated: 2025-10-16. Review status: criteria provided, single submitter. Criteria: ACMG Guidelines, 2015. Collection method: clinical testing. Allele origin: germline. Affected: yes.
Comment: This variant is classified as Pathogenic. Evidence in support of pathogenic classification: Variant is absent from gnomAD (v2, v3 and v4); Variant is located in the well-established collagen domain and affects a glycine residue in the Gly-X-Y motif (DECIPHER); Missense variant predicted to be damaging by in silico tool(s) or highly conserved with a major amino acid change; Additional information: Variant is predicted to result in a missense amino acid change from Gly to Ser; This variant is heterozygous; This gene is associated with autosomal dominant disease; This variant has no previous evidence of pathogenicity; No published evidence of segregation with disease has been identified for this variant; No published functional evidence has been identified for this variant; No comparable missense variants have previous evidence for pathogenicity; Loss of function is a known mechanism of disease in this gene and is associated with COL4A1-related disorder (MONDO:0800461). Glycine substitutions affecting the Gly-X-Y repeat motif are known to have a dominant-negative mechanism of disease in other collagen genes, but conclusive functional evidence of a dominant-negative mechanism in this gene is not currently available (PMID: 16159887, 1867713, 23225343); The condition associated with this gene has incomplete penetrance (PMID: 21625620, 30413629); Variants in this gene are known to have variable expressivity. Broad intra and interfamilial variation has been described in a number of affected families (PMID: 25719457).

Literature cited by the submitters: PubMed 23225343; PubMed 30413629; PubMed 1867713; PubMed 16159887; PubMed 25719457; PubMed 21625620.